The following is an entry in ClinVar:

NM_002691.4(POLD1):c.2668G>C (p.Ala890Pro)

Gene: POLD1 (DNA polymerase delta 1, catalytic subunit; plus strand). Cytogenetic location: 19q13.33.
Variant type: single nucleotide variant.
Coding change: c.2668G>C on transcript NM_002691.4 (MANE Select); coding-DNA position 2668, G replaced by C.
Protein change: p.Ala890Pro; replaces alanine 890 with proline.
Molecular consequence: missense variant. On other transcripts: non-coding transcript variant (1).
Genome position (GRCh38, 1-based): chr19:50,415,541, G>C. VCF-style: chr19-50415541-G-C. GRCh37 (hg19) VCF-style: chr19-50918798-G-C.
Other names: c.2668G>C, p.Ala890Pro (NM_001256849.1); c.2746G>C, p.Ala916Pro (NM_001308632.1); short protein forms A890P, A916P.
Identifiers: ClinVar variation 999540 (VCV000999540.8), dbSNP rs1555793052, ClinGen allele CA406985587.

ClinVar aggregate classification (germline): Uncertain significance (1 of 4 stars; one submission).

Conditions:
POLD1-related polyposis and colorectal cancer syndrome (CRCS10). Also called: Colorectal cancer 10; COLORECTAL CANCER, SUSCEPTIBILITY TO, ON CHROMOSOME 19q; Colorectal cancer, susceptibility to, 10. Identifiers: Orphanet 220460, MedGen C2675481, MONDO:0012953, OMIM 612591.

Submission:

Labcorp Genetics (formerly Invitae), Labcorp
Classification: Uncertain significance for POLD1-related polyposis and colorectal cancer syndrome. Last evaluated: 2024-06-26. Review status: criteria provided, single submitter. Criteria: Invitae Variant Classification Sherloc (09022015). Collection method: clinical testing. Allele origin: germline.
Comment: This sequence change replaces alanine, which is neutral and non-polar, with proline, which is neutral and non-polar, at codon 890 of the POLD1 protein (p.Ala890Pro). This variant is not present in population databases (gnomAD no frequency). This variant has not been reported in the literature in individuals affected with POLD1-related conditions. ClinVar contains an entry for this variant (Variation ID: 999540). An algorithm developed to predict the effect of missense changes on protein structure and function (PolyPhen-2) suggests that this variant is likely to be disruptive. In summary, the available evidence is currently insufficient to determine the role of this variant in disease. Therefore, it has been classified as a Variant of Uncertain Significance.